The following is an entry in ClinVar:

NM_052947.4(ALPK2):c.4837T>C (p.Ser1613Pro)

Genes: ALPK2 (alpha kinase 2; minus strand), LOC126862764 (BRD4-independent group 4 enhancer GRCh37_chr18:56202574-56203773; plus strand). Cytogenetic location: 18q21.31.
Variant type: single nucleotide variant.
Coding change: c.4837T>C on transcript NM_052947.4 (MANE Select); coding-DNA position 4837, T replaced by C.
Protein change: p.Ser1613Pro; replaces serine 1613 with proline.
Molecular consequence: missense variant.
Genome position (GRCh38, 1-based): chr18:58,535,350, A>G on the plus strand (T>C on the coding strand, the complement: ALPK2 is on the minus strand). VCF-style: chr18-58535350-A-G. GRCh37 (hg19) VCF-style: chr18-56202582-A-G.
Other names: short protein forms S1613P.
Identifiers: ClinVar variation 1743460 (VCV001743460.2), dbSNP rs2518873969, ClinGen allele CA402559591.

ClinVar aggregate classification (germline): Uncertain significance (1 of 4 stars; one submission).

Submission:

Ambry Genetics
Classification: Uncertain significance. Last evaluated: 2022-09-21. Review status: criteria provided, single submitter. Criteria: Ambry Variant Classification Scheme 2023. Collection method: clinical testing. Allele origin: germline.
Comment: The p.S1613P variant (also known as c.4837T>C), located in coding exon 4 of the ALPK2 gene, results from a T to C substitution at nucleotide position 4837. The serine at codon 1613 is replaced by proline, an amino acid with similar properties. This amino acid position is conserved. In addition, this alteration is predicted to be tolerated by in silico analysis. Since supporting evidence is limited at this time, the clinical significance of this alteration remains unclear.